The following is an entry in ClinVar:

ClinVar aggregate classification (germline): Uncertain significance. Review status: criteria provided, multiple submitters, no conflicts (2 of 4 stars). 2 submissions from 2 submitters: Uncertain significance (2). Last evaluated 2024-11-11.

Conditions:
Peroxisome biogenesis disorder. Identifiers: Orphanet 79189, MedGen C1832200, MONDO:0019234. Disease mechanism: loss of function.

Allele frequency attached by ClinVar (database versions not stated): TOPMed below 0.00001; gnomAD 0.00001.
gnomAD v4.1: 2 of 1,572,244 alleles (0.00013%); highest among the groups gnomAD compares: African/African-American, 0.0027%; no homozygotes.

Submissions (2):

Labcorp Genetics (formerly Invitae), Labcorp
Classification: Uncertain significance for Peroxisome biogenesis disorder. Last evaluated: 2024-11-11. Review status: criteria provided, single submitter. Criteria: Invitae Variant Classification Sherloc (09022015). Collection method: clinical testing. Allele origin: germline.
Comment: This sequence change replaces leucine, which is neutral and non-polar, with valine, which is neutral and non-polar, at codon 166 of the PEX6 protein (p.Leu166Val). This variant is not present in population databases (gnomAD no frequency). This variant has not been reported in the literature in individuals affected with PEX6-related conditions. ClinVar contains an entry for this variant (Variation ID: 1022026). An algorithm developed to predict the effect of missense changes on protein structure and function (PolyPhen-2) suggests that this variant is likely to be tolerated. In summary, the available evidence is currently insufficient to determine the role of this variant in disease. Therefore, it has been classified as a Variant of Uncertain Significance.

Breakthrough Genomics
Classification: Uncertain significance. Review status: criteria provided, single submitter. Criteria: ACMG Guidelines, 2015. Collection method: not provided. Allele origin: germline. Inheritance: Autosomal recessive inheritance. Affected: yes.

NM_000287.4(PEX6):c.496C>G (p.Leu166Val)

Gene: PEX6 (peroxisomal biogenesis factor 6; minus strand). Cytogenetic location: 6p21.1.
Variant type: single nucleotide variant.
Coding change: c.496C>G on transcript NM_000287.4 (MANE Select); coding-DNA position 496, C replaced by G.
Protein change: p.Leu166Val; replaces leucine 166 with valine.
Molecular consequence: missense variant. On other transcripts: non-coding transcript variant (1).
Genome position (GRCh38, 1-based): chr6:42,978,655, G>C on the plus strand (C>G on the coding strand, the complement: PEX6 is on the minus strand). VCF-style: chr6-42978655-G-C. GRCh37 (hg19) VCF-style: chr6-42946393-G-C.
Other names: c.496C>G, p.Leu166Val (NM_001316313.2); short protein forms L166V.
Identifiers: ClinVar variation 1022026 (VCV001022026.9), dbSNP rs1770417803, ClinGen allele CA364164855.
Genomic context (GRCh38, chr6:42,978,655, plus strand): 5'-CAAAGGAGGACACCACGGGCGGGGGTGGGGGCCGACTGCTGTCCCCAGACTCTGGACACA[G>C]TCTGGCCCGCCCGCGGAGCTCAGTCACAGCCAGCCGAGTCCCTGGGCCCAGCAGCCCTTG-3'
Protein context (NP_000278.3, residues 156-176): AVTELRGRAR[Leu166Val]CPESGDSSRP